The following is an entry in ClinVar:

ClinVar aggregate classification (germline): Benign/Likely benign. Review status: criteria provided, multiple submitters, no conflicts (2 of 4 stars). 6 submissions from 6 submitters: Benign (2); Likely benign (3). 1 of the submissions does not count toward it. Last evaluated 2026-09-01.

Conditions:
MED12-Related Disorders. Also called: MED12-related condition; MED12-related disorder. Identifiers: MedGen CN381102.
Familial thoracic aortic aneurysm and aortic dissection (TAAD). Also called: Thoracic aortic aneurysms and dissections. Identifiers: Orphanet 91387, MedGen C4707243, MONDO:0019625.
FG syndrome (FGS). Identifiers: MedGen C0220769, MONDO:0002010.

Allele frequency attached by ClinVar (database versions not stated): gnomAD 0.00008 and 0.00009; ExAC 0.00009; gnomAD exomes 0.00010 and 0.00012; TOPMed 0.00010.

Submissions (6):

CeGaT Center for Human Genetics Tuebingen
Classification: Likely benign. Last evaluated: 2026-09-01. Review status: criteria provided, single submitter. Criteria: CeGaT Center For Human Genetics Tuebingen Variant Classification Criteria Version 2. Collection method: clinical testing. Allele origin: germline. Affected: yes. Observed: 3 variant alleles.
Comment: MED12: BP4, BS2

Labcorp Genetics (formerly Invitae), Labcorp
Classification: Benign for FG syndrome. Last evaluated: 2026-01-08. Review status: criteria provided, single submitter. Criteria: Invitae Variant Classification Sherloc (09022015). Collection method: clinical testing. Allele origin: germline.

Blueprint Genetics
Classification: Likely benign. Last evaluated: 2024-05-31. Review status: criteria provided, single submitter. Criteria: ACMG Guidelines, 2015. Collection method: clinical testing. Allele origin: germline.

GeneDx
Classification: Likely benign. Last evaluated: 2019-10-28. Review status: criteria provided, single submitter. Criteria: GeneDx Variant Classification Process June 2021. Collection method: clinical testing. Allele origin: germline. Affected: yes.

Ambry Genetics
Classification: Benign for Familial thoracic aortic aneurysm and aortic dissection. Last evaluated: 2017-11-03. Review status: criteria provided, single submitter. Criteria: Ambry Variant Classification Scheme 2023. Collection method: clinical testing. Allele origin: germline.

PreventionGenetics, part of Exact Sciences
Classification: Likely benign for MED12-related condition. Last evaluated: 2021-10-07. Review status: no assertion criteria provided. Collection method: clinical testing. Allele origin: germline. Not counted in ClinVar's aggregate classification.
Comment: This variant is classified as likely benign based on ACMG/AMP sequence variant interpretation guidelines (Richards et al. 2015 PMID: 25741868, with internal and published modifications).

NM_005120.3(MED12):c.4115A>G (p.Asn1372Ser)

Gene: MED12 (mediator complex subunit 12; plus strand). Cytogenetic location: Xq13.1.
Variant type: single nucleotide variant.
Coding change: c.4115A>G on transcript NM_005120.3 (MANE Select); coding-DNA position 4115, A replaced by G.
Protein change: p.Asn1372Ser; replaces asparagine 1372 with serine.
Molecular consequence: missense variant.
Genome position (GRCh38, 1-based): chrX:71,131,617, A>G. VCF-style: chrX-71131617-A-G. GRCh37 (hg19) VCF-style: chrX-70351467-A-G.
Other names: short protein forms N1372S.
Identifiers: ClinVar variation 213623 (VCV000213623.42), dbSNP rs202009066, ClinGen allele CA323474.